The following is an entry in ClinVar:

NM_017547.4(FOXRED1):c.971+16A>G

Gene: FOXRED1 (FAD dependent oxidoreductase domain containing 1; plus strand). Cytogenetic location: 11q24.2.
Variant type: single nucleotide variant.
Coding change: c.971+16A>G on transcript NM_017547.4 (MANE Select); 16 bases into the intron after coding-DNA position 971, A replaced by G.
Molecular consequence: intron variant.
Genome position (GRCh38, 1-based): chr11:126,276,235, A>G. VCF-style: chr11-126276235-A-G. GRCh37 (hg19) VCF-style: chr11-126146130-A-G.
Identifiers: ClinVar variation 214442 (VCV000214442.10), dbSNP rs11220434, ClinGen allele CA324004.

ClinVar aggregate classification (germline): Benign/Likely benign. Review status: criteria provided, multiple submitters, no conflicts (2 of 4 stars). 3 submissions from 3 submitters: Benign (2); Likely benign (1). Last evaluated 2026-01-28.

Allele frequency attached by ClinVar (database versions not stated): gnomAD 0.00032 and 0.00047; gnomAD exomes 0.00034 and 0.00096; TOPMed 0.00061; ExAC 0.00120; 1000 Genomes Project 30x 0.00234; 1000 Genomes Project 0.00319.
gnomAD v4.1: 544 of 1,566,358 alleles (0.035%); highest among the groups gnomAD compares: East Asian, 1.2%; 2 homozygotes.

Submissions (3):

Labcorp Genetics (formerly Invitae), Labcorp
Classification: Benign. Last evaluated: 2026-01-28. Review status: criteria provided, single submitter. Criteria: Invitae Variant Classification Sherloc (09022015). Collection method: clinical testing. Allele origin: germline.

Blueprint Genetics
Classification: Likely benign. Last evaluated: 2024-10-04. Review status: criteria provided, single submitter. Criteria: ACMG Guidelines, 2015. Collection method: clinical testing. Allele origin: germline.

GeneDx
Classification: Benign. Last evaluated: 2014-07-30. Review status: criteria provided, single submitter. Criteria: GeneDx Variant Classification (06012015). Collection method: clinical testing. Allele origin: germline. Affected: yes.
Comment: This variant is considered likely benign or benign based on one or more of the following criteria: it is a conservative change, it occurs at a poorly conserved position in the protein, it is predicted to be benign by multiple in silico algorithms, and/or has population frequency not consistent with disease.